The following is an entry in ClinVar:

ClinVar aggregate classification (germline): Uncertain significance (1 of 4 stars; one submission).

Conditions:
Hyperphosphatasia with impaired intellectual development syndrome 2. Also called: Hyperphosphatasia with intellectual disability syndrome 2; GLYCOSYLPHOSPHATIDYLINOSITOL BIOSYNTHESIS DEFECT 6. Identifiers: Orphanet 247262, MedGen C3553637, MONDO:0013882, OMIM 614749.

gnomAD v4.1: 6 of 1,614,264 alleles (0.00037%); highest among the groups gnomAD compares: Non-Finnish European, 0.00051%; no homozygotes.

Submission:

Labcorp Genetics (formerly Invitae), Labcorp
Classification: Uncertain significance for Hyperphosphatasia with impaired intellectual development syndrome 2. Last evaluated: 2018-04-26. Review status: criteria provided, single submitter. Criteria: Invitae Variant Classification Sherloc (09022015). Collection method: clinical testing. Allele origin: germline.
Comment: This sequence change replaces proline with arginine at codon 481 of the PIGO protein (p.Pro481Arg). The proline residue is moderately conserved and there is a moderate physicochemical difference between proline and arginine. This variant is not present in population databases (ExAC no frequency). This variant has not been reported in the literature in individuals with PIGO-related disease. Algorithms developed to predict the effect of missense changes on protein structure and function output the following: SIFT: "Tolerated"; PolyPhen-2: "Benign"; Align-GVGD: "Class C0". The arginine amino acid residue is found in multiple mammalian species, suggesting that this missense change does not adversely affect protein function. These predictions have not been confirmed by published functional studies and their clinical significance is uncertain. In summary, the available evidence is currently insufficient to determine the role of this variant in disease. Therefore, it has been classified as a Variant of Uncertain Significance.

NM_032634.4(PIGO):c.1442C>G (p.Pro481Arg)

Gene: PIGO (phosphatidylinositol glycan anchor biosynthesis class O; minus strand). Cytogenetic location: 9p13.3.
Variant type: single nucleotide variant.
Coding change: c.1442C>G on transcript NM_032634.4 (MANE Select); coding-DNA position 1442, C replaced by G.
Protein change: p.Pro481Arg; replaces proline 481 with arginine.
Molecular consequence: missense variant. On other transcripts: intron variant (2).
Genome position (GRCh38, 1-based): chr9:35,092,445, G>C on the plus strand (C>G on the coding strand, the complement: PIGO is on the minus strand). VCF-style: chr9-35092445-G-C. GRCh37 (hg19) VCF-style: chr9-35092442-G-C.
Other names: c.1344+98C>G (NM_152850.4, NM_001201484.2); short protein forms P481R.
Identifiers: ClinVar variation 573741 (VCV000573741.8), dbSNP rs1563997847, ClinGen allele CA373322105.